The following is an entry in ClinVar:

NM_007078.3(LDB3):c.946C>A (p.Leu316Met)

Gene: LDB3 (LIM domain binding 3; plus strand). Cytogenetic location: 10q23.2.
Variant type: single nucleotide variant.
Coding change: c.946C>A on transcript NM_007078.3 (MANE Select); coding-DNA position 946, C replaced by A.
Protein change: p.Leu316Met; replaces leucine 316 with methionine.
Molecular consequence: missense variant. On other transcripts: intron variant (4).
Genome position (GRCh38, 1-based): chr10:86,706,580, C>A. VCF-style: chr10-86706580-C-A. GRCh37 (hg19) VCF-style: chr10-88466337-C-A.
Other names: c.805C>A, p.Leu269Met (NM_001368066.1); c.897-3325C>A (NM_001368064.1, NM_001368065.1); c.1101-3325C>A (NM_001171610.2); c.756-3325C>A (NM_001080114.2); short protein forms L269M, L316M.
Identifiers: ClinVar variation 1767054 (VCV001767054.3), dbSNP rs1349848176, ClinGen allele CA377446651.

ClinVar aggregate classification (germline): Uncertain significance. Review status: criteria provided, multiple submitters, no conflicts (2 of 4 stars). 2 submissions from 2 submitters: Uncertain significance (2). Last evaluated 2025-05-22.

Conditions:
Cardiovascular phenotype. Identifiers: MedGen CN230736.
Myofibrillar myopathy 4. Also called: Zaspopathy (type). Identifiers: Orphanet 98912, MedGen C4721886, MONDO:0012277, OMIM 609452.

Allele frequency attached by ClinVar (database versions not stated): gnomAD exomes below 0.00001; TOPMed below 0.00001; gnomAD 0.00001.
gnomAD v4.1: 2 of 1,613,080 alleles (0.00012%); highest among the groups gnomAD compares: African/African-American, 0.0013%; no homozygotes.

Submissions (2):

Labcorp Genetics (formerly Invitae), Labcorp
Classification: Uncertain significance for Myofibrillar myopathy 4. Last evaluated: 2025-05-22. Review status: criteria provided, single submitter. Criteria: Invitae Variant Classification Sherloc (09022015). Collection method: clinical testing. Allele origin: germline.
Comment: The LDB3 gene has multiple clinically relevant transcripts. This variant occurs in alternate transcript NM_007078.3, and corresponds to NM_001080116.1:c.*7206C>A in the primary transcript. This sequence change replaces leucine, which is neutral and non-polar, with methionine, which is neutral and non-polar, at codon 316 of the LDB3 protein (p.Leu316Met). The frequency data for this variant in the population databases is considered unreliable, as metrics indicate poor data quality at this position in the gnomAD database. This variant has not been reported in the literature in individuals affected with LDB3-related conditions. Experimental studies and prediction algorithms are not available or were not evaluated, and the functional significance of this variant is currently unknown. In summary, the available evidence is currently insufficient to determine the role of this variant in disease. Therefore, it has been classified as a Variant of Uncertain Significance.

Ambry Genetics
Classification: Uncertain significance for Cardiovascular phenotype. Last evaluated: 2024-02-16. Review status: criteria provided, single submitter. Criteria: Ambry Variant Classification Scheme 2023. Collection method: clinical testing. Allele origin: germline.
Comment: The p.L316M variant (also known as c.946C>A), located in coding exon 7 of the LDB3 gene, results from a C to A substitution at nucleotide position 946. The leucine at codon 316 is replaced by methionine, an amino acid with highly similar properties. This amino acid position is conserved. In addition, this alteration is predicted to be tolerated by in silico analysis. Since supporting evidence is limited at this time, the clinical significance of this alteration remains unclear.